The following is an entry in ClinVar:

ClinVar aggregate classification (germline): Pathogenic (1 of 4 stars; one submission).

Submission:

Labcorp Genetics (formerly Invitae), Labcorp
Classification: Pathogenic. Last evaluated: 2022-09-21. Review status: criteria provided, single submitter. Criteria: Invitae Variant Classification Sherloc (09022015). Collection method: clinical testing. Allele origin: germline.
Comment: For these reasons, this variant has been classified as Pathogenic. This variant has not been reported in the literature in individuals affected with MYO5B-related conditions. This variant is present in population databases (no rsID available, gnomAD 0.02%). This sequence change creates a premature translational stop signal (p.Asp300Trpfs*19) in the MYO5B gene. It is expected to result in an absent or disrupted protein product. Loss-of-function variants in MYO5B are known to be pathogenic (PMID: 18724368, 20186687).

Literature cited by the submitters: PubMed 18724368; PubMed 20186687.

NM_001080467.3(MYO5B):c.896_897dup (p.Asp300fs)

Gene: MYO5B (myosin VB; minus strand). Cytogenetic location: 18q21.1.
Variant type: Microsatellite.
Coding change: c.896_897dup on transcript NM_001080467.3 (MANE Select); coding-DNA positions 896 to 897, 2 bases duplicated (TG; older notation c.896_897dupTG).
Protein change: p.Asp300fs; shifts the reading frame from aspartic acid 300.
Molecular consequence: frameshift variant.
Genome position (GRCh38, 1-based): chr18:49,984,767-49,984,768, CA duplicated on the plus strand (TG on the coding strand, the reverse complement: MYO5B is on the minus strand); duplicating any 2 consecutive bases within chr18:49,984,767-49,984,771 gives the same sequence; the c. name uses the placement nearest the transcript's 3' end. VCF-style (leftmost placement, unchanged base first): chr18-49984766-C-CCA. GRCh37 (hg19) VCF-style: chr18-47511136-C-CCA.
Other names: short protein forms D300fs.
Identifiers: ClinVar variation 1908602 (VCV001908602.5), dbSNP rs1399608211, ClinGen allele CA629553131.